The following is an entry in ClinVar:

NM_000899.5(KITLG):c.386G>C (p.Ser129Thr)

Gene: KITLG (KIT ligand; minus strand). Cytogenetic location: 12q21.32.
Variant type: single nucleotide variant.
Coding change: c.386G>C on transcript NM_000899.5 (MANE Select); coding-DNA position 386, G replaced by C.
Protein change: p.Ser129Thr; replaces serine 129 with threonine.
Molecular consequence: missense variant.
Genome position (GRCh38, 1-based): chr12:88,516,468, C>G on the plus strand (G>C on the coding strand, the complement: KITLG is on the minus strand). VCF-style: chr12-88516468-C-G. GRCh37 (hg19) VCF-style: chr12-88910245-C-G.
Other names: c.386G>C, p.Ser129Thr (NM_003994.6); short protein forms S129T.
Identifiers: ClinVar variation 1446000 (VCV001446000.8), dbSNP rs771121084, ClinGen allele CA6713701.

ClinVar aggregate classification (germline): Uncertain significance (1 of 4 stars; one submission).

Allele frequency attached by ClinVar (database versions not stated): gnomAD exomes 0.00002; ExAC 0.00003.

Submission:

Labcorp Genetics (formerly Invitae), Labcorp
Classification: Uncertain significance. Last evaluated: 2021-07-14. Review status: criteria provided, single submitter. Criteria: Invitae Variant Classification Sherloc (09022015). Collection method: clinical testing. Allele origin: germline.
Comment: Algorithms developed to predict the effect of missense changes on protein structure and function (SIFT, PolyPhen-2, Align-GVGD) all suggest that this variant is likely to be tolerated, but these predictions have not been confirmed by published functional studies and their clinical significance is uncertain. This sequence change replaces serine with threonine at codon 129 of the KITLG protein (p.Ser129Thr). The serine residue is weakly conserved and there is a small physicochemical difference between serine and threonine. This variant is present in population databases (rs771121084, ExAC 0.005%). This variant has not been reported in the literature in individuals with KITLG-related conditions. In summary, the available evidence is currently insufficient to determine the role of this variant in disease. Therefore, it has been classified as a Variant of Uncertain Significance.